The following is an entry in ClinVar:

ClinVar aggregate classification (germline): Likely benign. Review status: criteria provided, multiple submitters, no conflicts (2 of 4 stars). 4 submissions from 4 submitters: Likely benign (4). Last evaluated 2026-01-14.

Conditions:
Amyloidosis, hereditary systemic 1 (AMYLD1). Also called: Hereditary oculoleptomeningeal amyloid angiopathy; Familial Transthyretin Amyloidosis; AMYLOID CARDIOMYOPATHY; Familial amyloid polyneuropathy; Transthyretin Amyloidosis; Isolated Cardiac Amyloidosis. Identifiers: Orphanet 85447, Orphanet 85451, MedGen C2751492, MONDO:0971004, OMIM 105210.
Carpal tunnel syndrome 1 (CTS1). Also called: Carpal tunnel syndrome, familial. Identifiers: MedGen C5779776, MONDO:0020730, OMIM 115430.
Hyperthyroxinemia, dystransthyretinemic. Also called: HYPERTHYROXINEMIA, DYSPREALBUMINEMIC; EUTHRYROIDAL HYPERTHYROXINEMIA 2. Identifiers: MedGen C2750824, MONDO:0007785, OMIM 145680.
Cardiovascular phenotype. Identifiers: MedGen CN230736.

Allele frequency attached by ClinVar (database versions not stated): gnomAD exomes below 0.00001 and 0.00001; ExAC 0.00001; gnomAD 0.00002; TOPMed 0.00002.
gnomAD v4.1: 5 of 1,613,900 alleles (0.00031%); highest among the groups gnomAD compares: African/African-American, 0.0027%; no homozygotes.

Submissions (4):

Labcorp Genetics (formerly Invitae), Labcorp
Classification: Likely benign for Amyloidosis, hereditary systemic 1. Last evaluated: 2026-01-14. Review status: criteria provided, single submitter. Criteria: Invitae Variant Classification Sherloc (09022015). Collection method: clinical testing. Allele origin: germline.

Fulgent Genetics
Classification: Likely benign for Amyloidosis, hereditary systemic 1; Carpal tunnel syndrome 1; Hyperthyroxinemia, dystransthyretinemic. Last evaluated: 2022-05-19. Review status: criteria provided, single submitter. Criteria: ACMG Guidelines, 2015. Collection method: clinical testing. Allele origin: unknown.

Ambry Genetics
Classification: Likely benign for Cardiovascular phenotype. Last evaluated: 2022-01-26. Review status: criteria provided, single submitter. Criteria: Ambry Variant Classification Scheme 2023. Collection method: clinical testing. Allele origin: germline.

GeneDx
Classification: Likely benign. Last evaluated: 2016-02-29. Review status: criteria provided, single submitter. Criteria: GeneDx Variant Classification (06012015). Collection method: clinical testing. Allele origin: germline. Affected: yes.
Comment: This variant is considered likely benign or benign based on one or more of the following criteria: it is a conservative change, it occurs at a poorly conserved position in the protein, it is predicted to be benign by multiple in silico algorithms, and/or has population frequency not consistent with disease.

NM_000371.4(TTR):c.78T>C (p.Gly26=)

Gene: TTR (transthyretin; plus strand). Cytogenetic location: 18q12.1.
Variant type: single nucleotide variant.
Coding change: c.78T>C on transcript NM_000371.4 (MANE Select); coding-DNA position 78, T replaced by C.
Protein change: p.Gly26=; no amino-acid change (glycine 26 retained).
Molecular consequence: synonymous variant.
Genome position (GRCh38, 1-based): chr18:31,592,904, T>C. VCF-style: chr18-31592904-T-C. GRCh37 (hg19) VCF-style: chr18-29172867-T-C.
Identifiers: ClinVar variation 384179 (VCV000384179.7), dbSNP rs779457244, ClinGen allele CA8928407.
Genomic context (GRCh38, chr18:31,592,904, plus strand): 5'-CTTTCACTCTGATCAATTTTGTTAACTTCTCACGTGTCTTCTCTACACCCAGGGCACCGG[T>C]GAATCCAAGTGTCCTCTGATGGTCAAAGTTCTAGATGCTGTCCGAGGCAGTCCTGCCATC-3'
Protein context (NP_000362.1, residues 16-36): FVSEAGPTGT[Gly26=]ESKCPLMVKV